The following is an entry in ClinVar:

NM_005159.5(ACTC1):c.-12A>G

Genes: ACTC1 (actin alpha cardiac muscle 1; minus strand), GJD2-DT (GJD2 divergent transcript; plus strand). Cytogenetic location: 15q14.
Variant type: single nucleotide variant.
Coding change: c.-12A>G on transcript NM_005159.5 (MANE Select); 12 bases upstream of the start codon, A replaced by G.
Molecular consequence: 5 prime UTR variant.
Genome position (GRCh38, 1-based): chr15:34,794,820, T>C on the plus strand (A>G on the coding strand, the complement: ACTC1 is on the minus strand). VCF-style: chr15-34794820-T-C. GRCh37 (hg19) VCF-style: chr15-35087021-T-C.
Identifiers: ClinVar variation 922903 (VCV000922903.7), dbSNP rs372036883, ClinGen allele CA268664955.

ClinVar aggregate classification (germline): Uncertain significance. Review status: criteria provided, multiple submitters, no conflicts (2 of 4 stars). 2 submissions from 2 submitters: Uncertain significance (2). Last evaluated 2025-09-04.

Conditions:
Cardiomyopathy (CMYO). Also called: Cardiomyopathies. Identifiers: Orphanet 167848, MedGen C0878544, MONDO:0004994, HP:0001638. Inheritance: Various modes of inheritance.
Hypertrophic cardiomyopathy. Also called: HYPERTROPHIC MYOCARDIOPATHY. Identifiers: Orphanet 217569, MedGen C0007194, MeSH D002312, MONDO:0005045, HP:0001639.

Allele frequency attached by ClinVar (database versions not stated): TOPMed 0.00001; gnomAD 0.00001; gnomAD exomes below 0.00001; ESP Exome Variant Server 0.00008.
gnomAD v4.1: 4 of 1,611,070 alleles (0.00025%); highest among the groups gnomAD compares: Non-Finnish European, 0.00034%; no homozygotes.

Submissions (2):

Color Diagnostics, LLC DBA Color Health
Classification: Uncertain significance for Cardiomyopathy. Last evaluated: 2025-09-04. Review status: criteria provided, single submitter. Criteria: ACMG Guidelines, 2015. Collection method: clinical testing. Allele origin: germline.
Comment: This variant causes an A to G nucleotide substitution at the -12 position in the 5' untranslated region in the ACTC1 gene. To our knowledge, functional studies have not been reported for this variant. This variant has not been reported in individuals affected with ACTC1-related disorders in the literature. This variant has not been identified in the general population by the Genome Aggregation Database (gnomAD). The available evidence is insufficient to determine the role of this variant in disease conclusively. Therefore, this variant is classified as a Variant of Uncertain Significance.

All of Us Research Program, National Institutes of Health
Classification: Uncertain significance for Hypertrophic cardiomyopathy. Last evaluated: 2024-02-05. Review status: criteria provided, single submitter. Criteria: ACMG Guidelines, 2015. Collection method: clinical testing. Allele origin: germline. Inheritance: Autosomal dominant inheritance. Observed: 3 variant alleles, 3 heterozygotes.
Comment: This variant causes an A to G nucleotide substitution at the -12 position in the 5' untranslated region in the ACTC1 gene. To our knowledge, functional studies have not been reported for this variant. This variant has not been reported in individuals affected with ACTC1-related disorders in the literature. This variant has not been identified in the general population by the Genome Aggregation Database (gnomAD). The available evidence is insufficient to determine the role of this variant in disease conclusively. Therefore, this variant is classified as a Variant of Uncertain Significance.

This study involves interpretation of variants in research participants for the purpose of population health screening. Participant phenotype was not available at the time of variant classification. Additional details can be found in publication PMID: 35346344, PMCID: PMC8962531